The following is an entry in ClinVar:

NM_024665.7(TBL1XR1):c.227G>A (p.Arg76Gln)

Gene: TBL1XR1 (TBL1X/Y related 1; minus strand). Cytogenetic location: 3q26.32.
Variant type: single nucleotide variant.
Coding change: c.227G>A on transcript NM_024665.7 (MANE Select); coding-DNA position 227, G replaced by A.
Protein change: p.Arg76Gln; replaces arginine 76 with glutamine.
Molecular consequence: missense variant. On other transcripts: 5 prime UTR variant (2).
Genome position (GRCh38, 1-based): chr3:177,051,704, C>T on the plus strand (G>A on the coding strand, the complement: TBL1XR1 is on the minus strand). VCF-style: chr3-177051704-C-T. GRCh37 (hg19) VCF-style: chr3-176769492-C-T.
Other names: c.227G>A, p.Arg76Gln (NM_001321193.3, NM_001321194.3, NM_001374327.1 and 2 more transcripts); c.-35G>A (NM_001321195.3, NM_001374330.1); short protein forms R76Q.
Identifiers: ClinVar variation 1310066 (VCV001310066.2), dbSNP rs2108497362, ClinGen allele CA355553461.
Genomic context (GRCh38, chr3:177,051,704, plus strand): 5'-TGTCTTGTTTGTACTACATCAGGCATTACGGCATCTATCAGGGACAGAGACTCTATTGGT[C>T]GACCATCAAACAAGGTACCATCCTGGATTTGGAAAATTGTGAGAGAAGAAAAATCAAAGG-3'
Protein context (NP_078941.2, residues 66-86): INEDGTLFDG[Arg76Gln]PIESLSLIDA

ClinVar aggregate classification (germline): Uncertain significance (1 of 4 stars; one submission).

Submission:

GeneDx
Classification: Uncertain significance. Last evaluated: 2019-11-11. Review status: criteria provided, single submitter. Criteria: GeneDx Variant Classification Process June 2021. Collection method: clinical testing. Allele origin: germline. Affected: yes.
Comment: Has not been previously published as pathogenic or benign to our knowledge; Not observed in large population cohorts (Lek et al., 2016); In silico analysis, which includes protein predictors and evolutionary conservation, supports a deleterious effect